The following is an entry in ClinVar:

ClinVar aggregate classification (germline): Benign/Likely benign. Review status: criteria provided, multiple submitters, no conflicts (2 of 4 stars). 7 submissions from 7 submitters: Benign (1); Likely benign (6). Last evaluated 2025-04-29.

Conditions:
Cardiovascular phenotype. Identifiers: MedGen CN230736.
Cardiomyopathy (CMYO). Also called: Cardiomyopathies. Identifiers: Orphanet 167848, MedGen C0878544, MONDO:0004994, HP:0001638. Inheritance: Various modes of inheritance.
Hypertrophic cardiomyopathy. Also called: HYPERTROPHIC MYOCARDIOPATHY. Identifiers: Orphanet 217569, MedGen C0007194, MeSH D002312, MONDO:0005045, HP:0001639.

Allele frequency attached by ClinVar (database versions not stated): gnomAD exomes 0.00001.
gnomAD v4.1: 8 of 1,606,416 alleles (0.0005%); highest among the groups gnomAD compares: East Asian, 0.0022%; no homozygotes.

Submissions (7):

Women's Health and Genetics/Laboratory Corporation of America, LabCorp
Classification: Likely benign. Last evaluated: 2025-04-29. Review status: criteria provided, single submitter. Criteria: LabCorp Variant Classification Summary - May 2015. Collection method: clinical testing. Allele origin: germline.

Blueprint Genetics
Classification: Likely benign. Last evaluated: 2024-08-12. Review status: criteria provided, single submitter. Criteria: ACMG Guidelines, 2015. Collection method: clinical testing. Allele origin: germline.

Ambry Genetics
Classification: Likely benign for Cardiovascular phenotype. Last evaluated: 2024-03-22. Review status: criteria provided, single submitter. Criteria: Ambry Variant Classification Scheme 2023. Collection method: clinical testing. Allele origin: germline.

All of Us Research Program, National Institutes of Health
Classification: Likely benign for Cardiomyopathy. Last evaluated: 2023-10-02. Review status: criteria provided, single submitter. Criteria: ACMG Guidelines, 2015. Collection method: clinical testing. Allele origin: germline. Inheritance: Autosomal dominant inheritance. Observed: 2 variant alleles, 2 heterozygotes.
Comment: This study involves interpretation of variants in research participants for the purpose of population health screening. Participant phenotype was not available at the time of variant classification. Additional details can be found in publication PMID: 35346344, PMCID: PMC8962531

Labcorp Genetics (formerly Invitae), Labcorp
Classification: Likely benign for Hypertrophic cardiomyopathy. Last evaluated: 2022-08-16. Review status: criteria provided, single submitter. Criteria: Invitae Variant Classification Sherloc (09022015). Collection method: clinical testing. Allele origin: germline.

Color Diagnostics, LLC DBA Color Health
Classification: Likely benign for Cardiomyopathy. Last evaluated: 2018-08-17. Review status: criteria provided, single submitter. Criteria: ACMG Guidelines, 2015. Collection method: clinical testing. Allele origin: germline.

GeneDx
Classification: Benign. Last evaluated: 2014-02-12. Review status: criteria provided, single submitter. Criteria: GeneDx Variant Classification (06012015). Collection method: clinical testing. Allele origin: germline. Affected: yes.
Comment: This variant is considered likely benign or benign based on one or more of the following criteria: it is a conservative change, it occurs at a poorly conserved position in the protein, it is predicted to be benign by multiple in silico algorithms, and/or has population frequency not consistent with disease.

NM_000257.4(MYH7):c.3603C>G (p.Ala1201=)

Gene: MYH7 (myosin heavy chain 7; minus strand). Cytogenetic location: 14q11.2.
Variant type: single nucleotide variant.
Coding change: c.3603C>G on transcript NM_000257.4 (MANE Select); coding-DNA position 3603, C replaced by G.
Protein change: p.Ala1201=; no amino-acid change (alanine 1201 retained).
Molecular consequence: synonymous variant.
Genome position (GRCh38, 1-based): chr14:23,419,968, G>C on the plus strand (C>G on the coding strand, the complement: MYH7 is on the minus strand). VCF-style: chr14-23419968-G-C. GRCh37 (hg19) VCF-style: chr14-23889177-G-C.
Other names: p.A1201A:GCC>GCG; c.3603C>G (LRG_384t1).
Identifiers: ClinVar variation 138379 (VCV000138379.17), dbSNP rs201576345, ClinGen allele CA013836.
Genomic context (GRCh38, chr14:23,419,968, plus strand): 5'-CTTCTCCTTCTCCAGCTTCTGCTTCACCCGCTGCAGGTTGTCGATCTGCTCGCCCAGCTC[G>C]GCCACGCTGTCGGCGTGCTTCTTGCGCAGGGCCGCGGCAGTGGCCTCGTGCTGCAGCGTG-3'
Protein context (NP_000248.2, residues 1191-1211): ALRKKHADSV[Ala1201=]ELGEQIDNLQ